The following is an entry in ClinVar:

ClinVar aggregate classification (germline): Pathogenic (0 of 4 stars; one submission).

Conditions:
Polydactyly, postaxial, type A1. Identifiers: MedGen C4282400, MONDO:0008266, OMIM 174200.

Submission:

Department of Animal Sciences, Quaid-i-Azam University
Classification: Pathogenic for Polydactyly, postaxial, type A1. Last evaluated: 2016-06-01. Review status: no assertion criteria provided. Collection method: research. Allele origin: inherited. Inheritance: Autosomal dominant inheritance. Affected: yes. Observed: 1 variant allele, 1 heterozygote.
Comment: Complex Postaxial Polydactyly Caused by a Novel GLI3 Mutation: The novel heterozygous frameshift mutation GLI3 c.3635delG (p.Gly1212Alafs*18) was segregating in a large family with postaxial polydactyly type A/B associated with zygodactyly, postaxial webbing of toes and additional features not previously reported for isolated polydactyly such as camptodactyly, hypoplasia of third toe, and wide space between the hallux and second toe.

Literature cited by the submitters: PubMed 28315472.

NM_000168.6(GLI3):c.3635del (p.Gly1212fs)

Gene: GLI3 (GLI family zinc finger 3; minus strand). Cytogenetic location: 7p14.1.
Variant type: Deletion.
Coding change: c.3635del on transcript NM_000168.6 (MANE Select); coding-DNA position 3635, one base deleted (G; older notation c.3635delG).
Protein change: p.Gly1212fs; shifts the reading frame from glycine 1212.
Molecular consequence: frameshift variant.
Genome position (GRCh38, 1-based): chr7:41,965,438, C deleted on the plus strand (G on the coding strand, the reverse complement: GLI3 is on the minus strand); the first of 5 consecutive C bases (chr7:41,965,438-41,965,442); deleting any one gives the same sequence. VCF-style (leftmost placement, unchanged base first): chr7-41965437-GC-G. GRCh37 (hg19) VCF-style: chr7-42005035-GC-G.
Other names: short protein forms G1212fs.
Identifiers: ClinVar variation 393462 (VCV000393462.1), dbSNP rs1060499558, ClinGen allele CA16609706.